The following is an entry in ClinVar:

NM_004415.4(DSP):c.7037A>G (p.Asn2346Ser)

Gene: DSP (desmoplakin; plus strand). Cytogenetic location: 6p24.3.
Variant type: single nucleotide variant.
Coding change: c.7037A>G on transcript NM_004415.4 (MANE Select); coding-DNA position 7037, A replaced by G.
Protein change: p.Asn2346Ser; replaces asparagine 2346 with serine.
Molecular consequence: missense variant.
Genome position (GRCh38, 1-based): chr6:7,584,299, A>G. VCF-style: chr6-7584299-A-G. GRCh37 (hg19) VCF-style: chr6-7584532-A-G.
Other names: c.5240A>G, p.Asn1747Ser (NM_001008844.3); c.5708A>G, p.Asn1903Ser (NM_001319034.2); short protein forms N1747S, N1903S, N2346S.
Identifiers: ClinVar variation 3761443 (VCV003761443.2).
Genomic context (GRCh38, chr6:7,584,299, plus strand): 5'-AAGAGAAGCTCCTGTCTGCAGAACGAGCTGTCACTGGGTATAATGATCCTGAAACAGGAA[A>G]CATCATCTCTTTGTTCCAAGCCATGAATAAGGAACTCATCGAAAAGGGCCACGGTATTCG-3'
Protein context (NP_004406.2, residues 2336-2356): VTGYNDPETG[Asn2346Ser]IISLFQAMNK

ClinVar aggregate classification (germline): Uncertain significance (1 of 4 stars; one submission).

Conditions:
Arrhythmogenic cardiomyopathy with wooly hair and keratoderma. Also called: Arrhythmogenic cardiomyopathy with woolly hair and keratoderma; PALMOPLANTAR KERATODERMA WITH LEFT VENTRICULAR CARDIOMYOPATHY AND WOOLLY HAIR; Carvajal syndrome; Dilated cardiomyopathy with woolly hair and keratoderma. Identifiers: Orphanet 65282, MedGen C1854063, MONDO:0011581, OMIM 605676.
Arrhythmogenic right ventricular dysplasia 8 (ARVD8). Also called: Arrhythmogenic Right Ventricular Dysplasia/Cardiomyopathy 8; ARRHYTHMOGENIC RIGHT VENTRICULAR DYSPLASIA, FAMILIAL, 8; ARRHYTHMOGENIC RIGHT VENTRICULAR CARDIOMYOPATHY 8. Identifiers: MedGen C1843896, MONDO:0011831, OMIM 607450.

Submission:

Labcorp Genetics (formerly Invitae), Labcorp
Classification: Uncertain significance for Arrhythmogenic cardiomyopathy with wooly hair and keratoderma; Arrhythmogenic right ventricular dysplasia 8. Last evaluated: 2024-10-07. Review status: criteria provided, single submitter. Criteria: Invitae Variant Classification Sherloc (09022015). Collection method: clinical testing. Allele origin: germline.
Comment: This sequence change replaces asparagine, which is neutral and polar, with serine, which is neutral and polar, at codon 2346 of the DSP protein (p.Asn2346Ser). This variant is not present in population databases (gnomAD no frequency). This variant has not been reported in the literature in individuals affected with DSP-related conditions. An algorithm developed to predict the effect of missense changes on protein structure and function outputs the following: PolyPhen-2: "Benign". The serine amino acid residue is found in multiple mammalian species, which suggests that this missense change does not adversely affect protein function. In summary, the available evidence is currently insufficient to determine the role of this variant in disease. Therefore, it has been classified as a Variant of Uncertain Significance.